The following is an entry in ClinVar:

ClinVar aggregate classification (germline): Likely benign (0 of 4 stars; one submission).

Conditions:
NIN-related disorder. Also called: NIN-related condition.

Allele frequency attached by ClinVar (database versions not stated): gnomAD 0.00001; TOPMed 0.00001.
gnomAD v4.1: 11 of 1,614,054 alleles (0.00068%); highest among the groups gnomAD compares: Non-Finnish European, 0.00085%; no homozygotes.

Submission:

PreventionGenetics, part of Exact Sciences
Classification: Likely benign for NIN-related condition. Last evaluated: 2019-07-15. Review status: no assertion criteria provided. Collection method: clinical testing. Allele origin: germline.
Comment: This variant is classified as likely benign based on ACMG/AMP sequence variant interpretation guidelines (Richards et al. 2015 PMID: 25741868, with internal and published modifications).

NM_020921.4(NIN):c.5493C>T (p.Asn1831=)

Gene: NIN (ninein; minus strand). Cytogenetic location: 14q22.1.
Variant type: single nucleotide variant.
Coding change: c.5493C>T on transcript NM_020921.4 (MANE Select); coding-DNA position 5493, C replaced by T.
Protein change: p.Asn1831=; no amino-acid change (asparagine 1831 retained).
Molecular consequence: synonymous variant.
Genome position (GRCh38, 1-based): chr14:50,739,443, G>A on the plus strand (C>T on the coding strand, the complement: NIN is on the minus strand). VCF-style: chr14-50739443-G-A. GRCh37 (hg19) VCF-style: chr14-51206161-G-A.
Other names: c.3354C>T, p.Asn1118= (NM_016350.5); c.5493C>T, p.Asn1831= (NM_182944.3, NM_182946.2).
Identifiers: ClinVar variation 3049331 (VCV003049331.2), dbSNP rs993843047, ClinGen allele CA260815457.